The following is an entry in ClinVar:

NM_001042492.3(NF1):c.7397T>C (p.Ile2466Thr)

Gene: NF1 (neurofibromin 1; plus strand). Cytogenetic location: 17q11.2.
Variant type: single nucleotide variant.
Coding change: c.7397T>C on transcript NM_001042492.3 (MANE Select); coding-DNA position 7397, T replaced by C.
Protein change: p.Ile2466Thr; replaces isoleucine 2466 with threonine.
Molecular consequence: missense variant.
Genome position (GRCh38, 1-based): chr17:31,350,258, T>C. VCF-style: chr17-31350258-T-C. GRCh37 (hg19) VCF-style: chr17-29677276-T-C.
Other names: c.7334T>C, p.Ile2445Thr (NM_000267.4); short protein forms I2445T, I2466T.
Identifiers: ClinVar variation 457839 (VCV000457839.10), dbSNP rs771915484, ClinGen allele CA8487565.

ClinVar aggregate classification (germline): Uncertain significance. Review status: criteria provided, multiple submitters, no conflicts (2 of 4 stars). 3 submissions from 3 submitters: Uncertain significance (2). 1 of the submissions does not count toward it. Last evaluated 2025-08-27.

Conditions:
NF1-related disorder. Also called: NF1-related condition. Identifiers: MedGen CN379171.
Cardiovascular phenotype. Identifiers: MedGen CN230736.
Hereditary cancer-predisposing syndrome. Also called: Hereditary Cancer Syndrome; Hereditary neoplastic syndrome; Tumor predisposition; Neoplastic Syndromes, Hereditary. Identifiers: Orphanet 140162, MedGen C0027672, MeSH D009386, MONDO:0015356.
Neurofibromatosis, type 1 (NF1). Also called: VON RECKLINGHAUSEN DISEASE; NEUROFIBROMATOSIS, TYPE I, SOMATIC; Peripheral type neurofibromatosis; Neurofibromatosis, type I. Identifiers: Orphanet 636, MedGen C0027831, MONDO:0018975, OMIM 162200. Disease mechanism: loss of function.

Allele frequency attached by ClinVar (database versions not stated): gnomAD exomes below 0.00001 and 0.00001; ExAC 0.00001.
gnomAD v4.1: 1 of 1,613,736 alleles (0.000062%); highest among the groups gnomAD compares: Non-Finnish European, 0.000085%; no homozygotes.

Submissions (3):

Ambry Genetics
Classification: Uncertain significance for Cardiovascular phenotype; Hereditary cancer-predisposing syndrome. Last evaluated: 2025-08-27. Review status: criteria provided, single submitter. Criteria: Ambry Variant Classification Scheme 2023. Collection method: clinical testing. Allele origin: germline.

Labcorp Genetics (formerly Invitae), Labcorp
Classification: Uncertain significance for Neurofibromatosis, type 1. Last evaluated: 2023-09-10. Review status: criteria provided, single submitter. Criteria: Invitae Variant Classification Sherloc (09022015). Collection method: clinical testing. Allele origin: germline.
Comment: This variant has not been reported in the literature in individuals affected with NF1-related conditions. In summary, the available evidence is currently insufficient to determine the role of this variant in disease. Therefore, it has been classified as a Variant of Uncertain Significance. Advanced modeling of protein sequence and biophysical properties (such as structural, functional, and spatial information, amino acid conservation, physicochemical variation, residue mobility, and thermodynamic stability) performed at Invitae indicates that this missense variant is not expected to disrupt NF1 protein function. ClinVar contains an entry for this variant (Variation ID: 457839). This variant is present in population databases (rs771915484, gnomAD 0.0009%). This sequence change replaces isoleucine, which is neutral and non-polar, with threonine, which is neutral and polar, at codon 2445 of the NF1 protein (p.Ile2445Thr).

PreventionGenetics, part of Exact Sciences
Classification: Uncertain significance for NF1-related condition. Last evaluated: 2024-09-23. Review status: no assertion criteria provided. Collection method: clinical testing. Allele origin: germline. Not counted in ClinVar's aggregate classification.
Comment: The NF1 c.7397T>C variant is predicted to result in the amino acid substitution p.Ile2466Thr. To our knowledge, this variant has not been reported in the literature. This variant is reported in 0.0029% of alleles in individuals of Latino descent in gnomAD. At this time, the clinical significance of this variant is uncertain due to the absence of conclusive functional and genetic evidence.